The following is an entry in ClinVar:

NM_004380.3(CREBBP):c.1532A>C (p.Gln511Pro)

Gene: CREBBP (CREB binding lysine acetyltransferase; minus strand). Cytogenetic location: 16p13.3.
Variant type: single nucleotide variant.
Coding change: c.1532A>C on transcript NM_004380.3 (MANE Select); coding-DNA position 1532, A replaced by C.
Protein change: p.Gln511Pro; replaces glutamine 511 with proline.
Molecular consequence: missense variant.
Genome position (GRCh38, 1-based): chr16:3,782,725, T>G on the plus strand (A>C on the coding strand, the complement: CREBBP is on the minus strand). VCF-style: chr16-3782725-T-G. GRCh37 (hg19) VCF-style: chr16-3832726-T-G.
Other names: c.1418A>C, p.Gln473Pro (NM_001079846.1); short protein forms Q473P, Q511P.
Identifiers: ClinVar variation 3347793 (VCV003347793.1).

ClinVar aggregate classification (germline): Uncertain significance (0 of 4 stars; one submission).

Conditions:
CREBBP-related disorder. Also called: CREBBP-related condition; CREBBP-related disorders.

Submission:

PreventionGenetics, part of Exact Sciences
Classification: Uncertain significance for CREBBP-related condition. Last evaluated: 2024-07-10. Review status: no assertion criteria provided. Collection method: clinical testing. Allele origin: germline.
Comment: The CREBBP c.1532A>C variant is predicted to result in the amino acid substitution p.Gln511Pro. To our knowledge, this variant has not been reported in the literature or in a large population database, indicating this variant is rare. At this time, the clinical significance of this variant is uncertain due to the absence of conclusive functional and genetic evidence.